The following is an entry in ClinVar:

ClinVar aggregate classification (germline): Benign. Review status: criteria provided, single submitter (1 of 4 stars). 2 submissions from 2 submitters: Benign (1). 1 of the submissions does not count toward it. Last evaluated 2024-05-14.

Conditions:
Rubinstein-Taybi syndrome (RSTS). Identifiers: Orphanet 783, MedGen C0035934, MONDO:0019188.
CREBBP-related disorder. Also called: CREBBP-related condition; CREBBP-related disorders.

gnomAD v4.1: 12 of 1,614,054 alleles (0.00074%); highest among the groups gnomAD compares: African/African-American, 0.0027%; no homozygotes.

Submissions (2):

Labcorp Genetics (formerly Invitae), Labcorp
Classification: Benign for Rubinstein-Taybi syndrome. Last evaluated: 2024-05-14. Review status: criteria provided, single submitter. Criteria: Invitae Variant Classification Sherloc (09022015). Collection method: clinical testing. Allele origin: germline.

PreventionGenetics, part of Exact Sciences
Classification: Likely benign for CREBBP-related condition. Last evaluated: 2023-07-10. Review status: no assertion criteria provided. Collection method: clinical testing. Allele origin: germline. Not counted in ClinVar's aggregate classification.
Comment: This variant is classified as likely benign based on ACMG/AMP sequence variant interpretation guidelines (Richards et al. 2015 PMID: 25741868, with internal and published modifications).

NM_004380.3(CREBBP):c.2964A>G (p.Pro988=)

Gene: CREBBP (CREB binding lysine acetyltransferase; minus strand). Cytogenetic location: 16p13.3.
Variant type: single nucleotide variant.
Coding change: c.2964A>G on transcript NM_004380.3 (MANE Select); coding-DNA position 2964, A replaced by G.
Protein change: p.Pro988=; no amino-acid change (proline 988 retained).
Molecular consequence: synonymous variant.
Genome position (GRCh38, 1-based): chr16:3,769,270, T>C on the plus strand (A>G on the coding strand, the complement: CREBBP is on the minus strand). VCF-style: chr16-3769270-T-C. GRCh37 (hg19) VCF-style: chr16-3819271-T-C.
Other names: c.2850A>G, p.Pro950= (NM_001079846.1).
Identifiers: ClinVar variation 3353021 (VCV003353021.3).